The following is an entry in ClinVar:

ClinVar aggregate classification (germline): Uncertain significance (1 of 4 stars; one submission).

Submission:

Labcorp Genetics (formerly Invitae), Labcorp
Classification: Uncertain significance. Last evaluated: 2025-10-08. Review status: criteria provided, single submitter. Criteria: Invitae Variant Classification Sherloc (09022015). Collection method: clinical testing. Allele origin: germline.
Comment: This sequence change replaces serine, which is neutral and polar, with leucine, which is neutral and non-polar, at codon 196 of the WHSC1 protein (p.Ser196Leu). This variant is not present in population databases (gnomAD no frequency). This variant has not been reported in the literature in individuals affected with WHSC1-related conditions. An algorithm developed to predict the effect of missense changes on protein structure and function (PolyPhen-2) suggests that this variant is likely to be tolerated. Algorithms developed to predict the effect of sequence changes on RNA splicing suggest that this variant may disrupt the consensus splice site. In summary, the available evidence is currently insufficient to determine the role of this variant in disease. Therefore, it has been classified as a Variant of Uncertain Significance.

NM_001042424.3(NSD2):c.587C>T (p.Ser196Leu)

Gene: NSD2 (nuclear receptor binding SET domain protein 2; plus strand). Cytogenetic location: 4p16.3.
Variant type: single nucleotide variant.
Coding change: c.587C>T on transcript NM_001042424.3 (MANE Select); coding-DNA position 587, C replaced by T.
Protein change: p.Ser196Leu; replaces serine 196 with leucine.
Molecular consequence: missense variant. On other transcripts: 5 prime UTR variant (2).
Genome position (GRCh38, 1-based): chr4:1,901,241, C>T. VCF-style: chr4-1901241-C-T. GRCh37 (hg19) VCF-style: chr4-1902968-C-T.
Other names: c.587C>T, p.Ser196Leu (NM_001440892.1, NM_001440893.1, NM_001440894.1 and 9 more transcripts); c.-220C>T (NM_001440899.1); c.-487C>T (NM_001440900.1); short protein forms S196L.
Identifiers: ClinVar variation 4727853 (VCV004727853.1).